The following is an entry in ClinVar:

NM_152564.5(VPS13B):c.7639A>G (p.Ser2547Gly)

Gene: VPS13B (vacuolar protein sorting 13 homolog B; plus strand). Cytogenetic location: 8q22.2.
Variant type: single nucleotide variant.
Coding change: c.7639A>G on transcript NM_152564.5 (MANE Select); coding-DNA position 7639, A replaced by G.
Protein change: p.Ser2547Gly; replaces serine 2547 with glycine.
Molecular consequence: missense variant.
Genome position (GRCh38, 1-based): chr8:99,778,891, A>G. VCF-style: chr8-99778891-A-G. GRCh37 (hg19) VCF-style: chr8-100791119-A-G.
Other names: c.7639A>G (NM_152564.4); c.7714A>G, p.Ser2572Gly (NM_017890.5); short protein forms S2572G, S2547G.
Identifiers: ClinVar variation 848702 (VCV000848702.14), dbSNP rs140061281, ClinGen allele CA4824255.

ClinVar aggregate classification (germline): Uncertain significance. Review status: criteria provided, multiple submitters, no conflicts (2 of 4 stars). 7 submissions from 7 submitters: Uncertain significance (5). 2 of the submissions do not count toward it. Last evaluated 2025-01-13.

Conditions:
Inborn genetic diseases. Identifiers: MedGen C0950123, MeSH D030342.
Cohen syndrome (COH1). Also called: PEPPER SYNDROME; Cutis verticis gyrata, retinitis pigmentosa, and sensorineural deafness. Identifiers: Orphanet 193, MedGen C0265223, MONDO:0008999, OMIM 216550.
VPS13B-related disorder. Also called: VPS13B-related condition.

Allele frequency attached by ClinVar (database versions not stated): ExAC 0.00003; gnomAD 0.00005 and 0.00006; TOPMed 0.00006; gnomAD exomes 0.00009; ESP Exome Variant Server 0.00015.
gnomAD v4.1: 281 of 1,613,920 alleles (0.017%); highest among the groups gnomAD compares: Non-Finnish European, 0.023%; no homozygotes.

Submissions (7):

Labcorp Genetics (formerly Invitae), Labcorp
Classification: Uncertain significance for Cohen syndrome. Last evaluated: 2025-01-13. Review status: criteria provided, single submitter. Criteria: Invitae Variant Classification Sherloc (09022015). Collection method: clinical testing. Allele origin: germline.
Comment: This sequence change replaces serine, which is neutral and polar, with glycine, which is neutral and non-polar, at codon 2572 of the VPS13B protein (p.Ser2572Gly). This variant is present in population databases (rs140061281, gnomAD 0.02%). This variant has not been reported in the literature in individuals affected with VPS13B-related conditions. ClinVar contains an entry for this variant (Variation ID: 848702). Invitae Evidence Modeling of protein sequence and biophysical properties (such as structural, functional, and spatial information, amino acid conservation, physicochemical variation, residue mobility, and thermodynamic stability) indicates that this missense variant is not expected to disrupt VPS13B protein function with a negative predictive value of 80%. In summary, the available evidence is currently insufficient to determine the role of this variant in disease. Therefore, it has been classified as a Variant of Uncertain Significance.

Ambry Genetics
Classification: Uncertain significance for Inborn genetic diseases. Last evaluated: 2024-11-28. Review status: criteria provided, single submitter. Criteria: Ambry Variant Classification Scheme 2023. Collection method: clinical testing. Allele origin: germline.

Blueprint Genetics
Classification: Uncertain significance. Last evaluated: 2024-06-24. Review status: criteria provided, single submitter. Criteria: ACMG Guidelines, 2015. Collection method: clinical testing. Allele origin: germline.

GeneDx
Classification: Uncertain significance. Last evaluated: 2022-01-06. Review status: criteria provided, single submitter. Criteria: GeneDx Variant Classification Process June 2021. Collection method: clinical testing. Allele origin: germline. Affected: yes.
Comment: In silico analysis supports that this missense variant does not alter protein structure/function; Has not been previously published as pathogenic or benign to our knowledge

Illumina Laboratory Services, Illumina
Classification: Uncertain significance for Cohen syndrome. Last evaluated: 2018-01-13. Review status: criteria provided, single submitter. Criteria: ICSL Variant Classification Criteria 13 December 2019. Collection method: clinical testing. Allele origin: germline.

PreventionGenetics, part of Exact Sciences
Classification: Uncertain significance for VPS13B-related condition. Last evaluated: 2024-07-18. Review status: no assertion criteria provided. Collection method: clinical testing. Allele origin: germline. Not counted in ClinVar's aggregate classification.
Comment: The VPS13B c.7639A>G variant is predicted to result in the amino acid substitution p.Ser2547Gly. To our knowledge, this variant has not been reported in the literature. This variant is reported in 0.016% of alleles in individuals of European (Non-Finnish) descent in gnomAD. At this time, the clinical significance of this variant is uncertain due to the absence of conclusive functional and genetic evidence.

Natera, Inc.
Classification: Uncertain significance for Cohen syndrome. Last evaluated: 2020-01-24. Review status: no assertion criteria provided. Collection method: clinical testing. Allele origin: germline. Not counted in ClinVar's aggregate classification.